The following is an entry in ClinVar:

ClinVar aggregate classification (germline): Conflicting classifications of pathogenicity. Review status: criteria provided, conflicting classifications (1 of 4 stars). 2 submissions from 2 submitters: Uncertain significance (1); Likely benign (1). Last evaluated 2023-01-01.

Allele frequency attached by ClinVar (database versions not stated): gnomAD 0.00046 and 0.00049; TOPMed 0.00061; ESP Exome Variant Server 0.00062; gnomAD exomes 0.00076; ExAC 0.00087.
gnomAD v4.1: 880 of 1,613,912 alleles (0.055%); highest among the groups gnomAD compares: Non-Finnish European, 0.053%; 1 homozygote.

Submissions (2):

CeGaT Center for Human Genetics Tuebingen
Classification: Likely benign. Last evaluated: 2023-01-01. Review status: criteria provided, single submitter. Criteria: CeGaT Center For Human Genetics Tuebingen Variant Classification Criteria Version 2. Collection method: clinical testing. Allele origin: germline. Affected: yes. Observed: 2 variant alleles.
Comment: ZC3H14: BP4, BP7

Genetic Services Laboratory, University of Chicago
Classification: Uncertain significance. Last evaluated: 2015-07-16. Review status: criteria provided, single submitter. Criteria: ACMG Guidelines, 2015. Collection method: clinical testing. Allele origin: germline.

NM_024824.5(ZC3H14):c.2130G>A (p.Pro710=)

Gene: ZC3H14 (zinc finger CCCH-type containing 14; plus strand). Cytogenetic location: 14q31.3.
Variant type: single nucleotide variant.
Coding change: c.2130G>A on transcript NM_024824.5 (MANE Select); coding-DNA position 2130, G replaced by A.
Protein change: p.Pro710=; no amino-acid change (proline 710 retained).
Molecular consequence: synonymous variant. On other transcripts: non-coding transcript variant (1).
Genome position (GRCh38, 1-based): chr14:88,610,866, G>A. VCF-style: chr14-88610866-G-A. GRCh37 (hg19) VCF-style: chr14-89077210-G-A.
Other names: c.2127G>A, p.Pro709= (NM_001160103.2); c.2112G>A, p.Pro704= (NM_001160104.2); c.1737G>A, p.Pro579= (NM_001326295.2); c.2052G>A, p.Pro684= (NM_001326296.2); c.2028G>A, p.Pro676= (NM_001326297.2); c.1662G>A, p.Pro554= (NM_001326298.2, NM_001326302.2); c.2037G>A, p.Pro679= (NM_001326299.2); c.1665G>A, p.Pro555= (NM_001326300.2); and 17 more.
Identifiers: ClinVar variation 212624 (VCV000212624.41), dbSNP rs149865117, ClinGen allele CA209005.
Genomic context (GRCh38, chr14:88,610,866, plus strand): 5'-TTGTTGAAGCTCTGTTATCTCTATTCAGCATTGTAGGTTTAACACTCAATGTACAAGACC[G>A]GACTGCACATTCTACCATCCCACCATTAATGTCCCACCACGACATGCCTTGAAATGGATT-3'
Protein context (NP_079100.2, residues 700-720): HCRFNTQCTR[Pro710=]DCTFYHPTIN